The following is an entry in ClinVar:

NM_000492.4(CFTR):c.1445T>C (p.Ile482Thr)

Genes: CFTR (CF transmembrane conductance regulator; plus strand), CFTR-AS1 (CFTR antisense RNA 1; minus strand). Cytogenetic location: 7q31.2.
Variant type: single nucleotide variant.
Coding change: c.1445T>C on transcript NM_000492.4 (MANE Select); coding-DNA position 1445, T replaced by C.
Protein change: p.Ile482Thr; replaces isoleucine 482 with threonine.
Molecular consequence: missense variant.
Genome position (GRCh38, 1-based): chr7:117,559,516, T>C. VCF-style: chr7-117559516-T-C. GRCh37 (hg19) VCF-style: chr7-117199570-T-C.
Other names: short protein forms I482T.
Identifiers: ClinVar variation 4227416 (VCV004227416.1).
Genomic context (GRCh38, chr7:117,559,516, plus strand): 5'-ATTTCCAGACTTCACTTCTAATGGTGATTATGGGAGAACTGGAGCCTTCAGAGGGTAAAA[T>C]TAAGCACAGTGGAAGAATTTCATTCTGTTCTCAGTTTTCCTGGATTATGCCTGGCACCAT-3'
Protein context (NP_000483.3, residues 472-492): MGELEPSEGK[Ile482Thr]KHSGRISFCS

ClinVar aggregate classification (germline): Uncertain significance (1 of 4 stars; one submission).

Conditions:
Cystic fibrosis (CF). Also called: MUCOVISCIDOSIS. Identifiers: Orphanet 586, MedGen C0010674, MONDO:0009061, OMIM 219700. Disease mechanism: loss of function.

Submission:

Ambry Genetics
Classification: Uncertain significance for Cystic fibrosis. Last evaluated: 2025-07-25. Review status: criteria provided, single submitter. Criteria: Ambry Variant Classification Scheme 2023. Collection method: clinical testing. Allele origin: germline.
Comment: The p.I482T variant (also known as c.1445T>C), located in coding exon 11 of the CFTR gene, results from a T to C substitution at nucleotide position 1445. The isoleucine at codon 482 is replaced by threonine, an amino acid with similar properties. This amino acid position is conserved. In addition, this alteration is predicted to be deleterious by in silico analysis. Based on the available evidence, the clinical significance of this variant remains unclear.